The following is an entry in ClinVar:

NM_173354.5(SIK1):c.862G>A (p.Ala288Thr)

Gene: SIK1 (salt inducible kinase 1; minus strand). Cytogenetic location: 21q22.3.
Variant type: single nucleotide variant.
Coding change: c.862G>A on transcript NM_173354.5 (MANE Select); coding-DNA position 862, G replaced by A.
Protein change: p.Ala288Thr; replaces alanine 288 with threonine.
Molecular consequence: missense variant.
Genome position (GRCh38, 1-based): chr21:43,420,344, C>T on the plus strand (G>A on the coding strand, the complement: SIK1 is on the minus strand). VCF-style: chr21-43420344-C-T. GRCh37 (hg19) VCF-style: chr21-44840224-C-T.
Other names: short protein forms A288T.
Identifiers: ClinVar variation 950478 (VCV000950478.8), dbSNP rs376891838, ClinGen allele CA410609254.

ClinVar aggregate classification (germline): Uncertain significance (1 of 4 stars; one submission).

Conditions:
Developmental and epileptic encephalopathy, 30 (DEE30). Also called: Epileptic encephalopathy, early infantile, 30. Identifiers: MedGen C4225360, MONDO:0014595, OMIM 616341.

Submission:

Labcorp Genetics (formerly Invitae), Labcorp
Classification: Uncertain significance for Developmental and epileptic encephalopathy, 30. Last evaluated: 2025-08-14. Review status: criteria provided, single submitter. Criteria: Invitae Variant Classification Sherloc (09022015). Collection method: clinical testing. Allele origin: germline.
Comment: This sequence change replaces alanine, which is neutral and non-polar, with threonine, which is neutral and polar, at codon 288 of the SIK1 protein (p.Ala288Thr). The frequency data for this variant in the population databases is considered unreliable, as metrics indicate poor data quality at this position in the gnomAD database. This variant has not been reported in the literature in individuals affected with SIK1-related conditions. ClinVar contains an entry for this variant (Variation ID: 950478). Invitae Evidence Modeling of protein sequence and biophysical properties (such as structural, functional, and spatial information, amino acid conservation, physicochemical variation, residue mobility, and thermodynamic stability) indicates that this missense variant is not expected to disrupt SIK1 protein function with a negative predictive value of 95%. In summary, the available evidence is currently insufficient to determine the role of this variant in disease. Therefore, it has been classified as a Variant of Uncertain Significance.